The following is an entry in ClinVar:

NM_022340.4(RBSN):c.2268C>T (p.Cys756=)

Gene: RBSN (rabenosyn, RAB effector; minus strand). Cytogenetic location: 3p25.1.
Variant type: single nucleotide variant.
Coding change: c.2268C>T on transcript NM_022340.4 (MANE Select); coding-DNA position 2268, C replaced by T.
Protein change: p.Cys756=; no amino-acid change (cysteine 756 retained).
Molecular consequence: synonymous variant.
Genome position (GRCh38, 1-based): chr3:15,073,869, G>A on the plus strand (C>T on the coding strand, the complement: RBSN is on the minus strand). VCF-style: chr3-15073869-G-A. GRCh37 (hg19) VCF-style: chr3-15115376-G-A.
Other names: c.2268C>T, p.Cys756= (NM_001302378.2).
Identifiers: ClinVar variation 718312 (VCV000718312.29), dbSNP rs61740931, ClinGen allele CA2273253.

ClinVar aggregate classification (germline): Benign/Likely benign. Review status: criteria provided, multiple submitters, no conflicts (2 of 4 stars). 3 submissions from 3 submitters: Benign (2); Likely benign (1). Last evaluated 2026-09-01.

Allele frequency attached by ClinVar (database versions not stated): 1000 Genomes Project 30x 0.00156; 1000 Genomes Project 0.00180; gnomAD 0.00203 and 0.00220; TOPMed 0.00224; ExAC 0.00276; gnomAD exomes 0.00276; ESP Exome Variant Server 0.00300.
gnomAD v4.1: 4,910 of 1,613,944 alleles (0.3%); highest among the groups gnomAD compares: Middle Eastern, 0.74%; 16 homozygotes.

Submissions (3):

CeGaT Center for Human Genetics Tuebingen
Classification: Likely benign. Last evaluated: 2026-09-01. Review status: criteria provided, single submitter. Criteria: CeGaT Center For Human Genetics Tuebingen Variant Classification Criteria Version 2. Collection method: clinical testing. Allele origin: germline. Affected: yes. Observed: 6 variant alleles.
Comment: RBSN: BP4, BP7, BS2

Labcorp Genetics (formerly Invitae), Labcorp
Classification: Benign. Last evaluated: 2019-12-31. Review status: criteria provided, single submitter. Criteria: Invitae Variant Classification Sherloc (09022015). Collection method: clinical testing. Allele origin: germline.

Breakthrough Genomics
Classification: Benign. Review status: criteria provided, single submitter. Criteria: ACMG Guidelines, 2015. Collection method: not provided. Allele origin: germline. Inheritance: Unknown mechanism. Affected: yes.